The following is an entry in ClinVar:

NM_194318.4(B3GLCT):c.459+1G>A

Gene: B3GLCT (beta 3-glucosyltransferase; plus strand). Cytogenetic location: 13q12.3.
Variant type: single nucleotide variant.
Coding change: c.459+1G>A on transcript NM_194318.4 (MANE Select); the canonical splice donor site of the intron after coding-DNA position 459, G replaced by A.
Molecular consequence: splice donor variant.
Genome position (GRCh38, 1-based): chr13:31,247,967, G>A. VCF-style: chr13-31247967-G-A. GRCh37 (hg19) VCF-style: chr13-31822104-G-A.
Other names: B3GALTL, IVS6, G-A, +1; IVS6, G-A, +1.
Identifiers: ClinVar variation 449340 (VCV000449340.10), dbSNP rs767361165, ClinGen allele CA6936586.

ClinVar aggregate classification (germline): Pathogenic/Likely pathogenic. Review status: criteria provided, multiple submitters, no conflicts (2 of 4 stars). 4 submissions from 4 submitters: Pathogenic (2); Likely pathogenic (1). 1 of the submissions does not count toward it. Last evaluated 2026-07-07.

Conditions:
B3GLCT-related disorder. Also called: B3GLCT-related condition.
Inborn genetic diseases. Identifiers: MedGen C0950123, MeSH D030342.
Peters plus syndrome. Also called: KRAUSE-KIVLIN SYNDROME. Identifiers: Orphanet 709, MedGen C0796012, MONDO:0009856, OMIM 261540.

Allele frequency attached by ClinVar (database versions not stated): ExAC 0.00001; gnomAD 0.00001; gnomAD exomes 0.00001 and 0.00002; TOPMed 0.00002.
gnomAD v4.1: 29 of 1,517,084 alleles (0.0019%); highest among the groups gnomAD compares: Non-Finnish European, 0.0025%; no homozygotes.

Submissions (4):

PreventionGenetics, part of Exact Sciences
Classification: Pathogenic for B3GLCT-related condition. Last evaluated: 2026-07-07. Review status: criteria provided, single submitter. Criteria: ACMG Guidelines, 2015. Collection method: clinical testing. Allele origin: germline.
Comment: The B3GLCT c.459+1G>A variant is predicted to disrupt the GT donor site and interfere with normal splicing. This variant was reported in multiple individuals with Peters-Plus syndrome (Reis et al. 2008. PubMed ID: 18798333; Weh et al., 2015. PubMed ID: 23889335; Supplementary Data 3, Chesneau et al. 2022. PubMed ID: 35170016; Dassie-Ajdid et al. 2009. PubMed ID: 19796186). This variant is reported in 0.0018% of alleles in individuals of European (Non-Finnish) descent in gnomAD. Variants that disrupt the consensus splice donor site in B3GLCT are expected to be pathogenic. This variant is interpreted as pathogenic.

GeneDx
Classification: Pathogenic. Last evaluated: 2025-08-21. Review status: criteria provided, single submitter. Criteria: GeneDx Variant Classification Process June 2021. Collection method: clinical testing. Allele origin: germline. Affected: yes.
Comment: Identified in the presence of a second pathogenic variant, phase unknown, in a patient with Peters Plus syndrome (PMID: 18798333); Canonical splice site variant predicted to result in a null allele in a gene for which loss of function is a known mechanism of disease; Not observed at significant frequency in large population cohorts (gnomAD); This variant is associated with the following publications: (PMID: 25525159, 18798333, 35170016)

Ambry Genetics
Classification: Likely pathogenic for Inborn genetic diseases. Last evaluated: 2017-04-28. Review status: criteria provided, single submitter. Criteria: Ambry exome assertion method (8-5-2015). Collection method: clinical testing. Allele origin: germline. Affected: yes. Observed: 1 variant allele.

OMIM
Classification: Pathogenic for PETERS-PLUS SYNDROME. Last evaluated: 2009-11-01. Review status: no assertion criteria provided. Collection method: literature only. Allele origin: germline. Not counted in ClinVar's aggregate classification.

Literature cited by the submitters: PubMed 18798333 (cited by OMIM); PubMed 19796186 (cited by OMIM).